The following is an entry in ClinVar:

NC_000004.12:g.88089831A>G

Gene: ABCG2 (ATP binding cassette subfamily G member 2 (JR blood group); minus strand). Cytogenetic location: 4q22.1.
Variant type: single nucleotide variant.
Genome position: GRCh38 VCF-style: chr4-88089831-A-G. GRCh37 (hg19) VCF-style: chr4-89010983-A-G.
Identifiers: ClinVar variation 1251382 (VCV001251382.3), dbSNP rs2725268, ClinGen allele CA100898882.

ClinVar aggregate classification (germline): Benign (1 of 4 stars; one submission).

Allele frequency attached by ClinVar (database versions not stated): 1000 Genomes Project 30x 0.25625; 1000 Genomes Project 0.25859; TOPMed 0.32368.

Submission:

GeneDx
Classification: Benign. Last evaluated: 2019-01-09. Review status: criteria provided, single submitter. Criteria: GeneDx Variant Classification Process June 2021. Collection method: clinical testing. Allele origin: germline. Affected: yes.
Comment: This variant is associated with the following publications: (PMID: 28930109)